The following is an entry in ClinVar:

ClinVar aggregate classification (germline): Uncertain significance (1 of 4 stars; one submission).

Allele frequency attached by ClinVar (database versions not stated): gnomAD exomes below 0.00001.
gnomAD v4.1: 2 of 1,614,168 alleles (0.00012%); highest among the groups gnomAD compares: Middle Eastern, 0.016%; no homozygotes.

Submission:

Labcorp Genetics (formerly Invitae), Labcorp
Classification: Uncertain significance. Last evaluated: 2022-09-07. Review status: criteria provided, single submitter. Criteria: Invitae Variant Classification Sherloc (09022015). Collection method: clinical testing. Allele origin: germline.
Comment: This sequence change falls in intron 14 of the FERMT1 gene. It does not directly change the encoded amino acid sequence of the FERMT1 protein. It affects a nucleotide within the consensus splice site. This variant is not present in population databases (gnomAD no frequency). This variant has not been reported in the literature in individuals affected with FERMT1-related conditions. Variants that disrupt the consensus splice site are a relatively common cause of aberrant splicing (PMID: 17576681, 9536098). Algorithms developed to predict the effect of sequence changes on RNA splicing suggest that this variant is not likely to affect RNA splicing. In summary, the available evidence is currently insufficient to determine the role of this variant in disease. Therefore, it has been classified as a Variant of Uncertain Significance.

Literature cited by the submitters: PubMed 17576681; PubMed 9536098.

NM_017671.5(FERMT1):c.1860+5A>G

Gene: FERMT1 (FERM domain containing kindlin 1; minus strand). Cytogenetic location: 20p12.3.
Variant type: single nucleotide variant.
Coding change: c.1860+5A>G on transcript NM_017671.5 (MANE Select); 5 bases into the intron after coding-DNA position 1860, A replaced by G.
Molecular consequence: intron variant.
Genome position (GRCh38, 1-based): chr20:6,079,431, T>C on the plus strand (A>G on the coding strand, the complement: FERMT1 is on the minus strand). VCF-style: chr20-6079431-T-C. GRCh37 (hg19) VCF-style: chr20-6060078-T-C.
Identifiers: ClinVar variation 1951992 (VCV001951992.2), dbSNP rs2514682982, ClinGen allele CA2580098016.